The following is an entry in ClinVar:

NM_001853.4(COL9A3):c.550G>A (p.Gly184Arg)

Gene: COL9A3 (collagen type IX alpha 3 chain; plus strand). Cytogenetic location: 20q13.33.
Variant type: single nucleotide variant.
Coding change: c.550G>A on transcript NM_001853.4 (MANE Select); coding-DNA position 550, G replaced by A.
Protein change: p.Gly184Arg; replaces glycine 184 with arginine.
Molecular consequence: missense variant.
Genome position (GRCh38, 1-based): chr20:62,824,475, G>A. VCF-style: chr20-62824475-G-A. GRCh37 (hg19) VCF-style: chr20-61455827-G-A.
Other names: c.550G>A (NM_001853.3); short protein forms G184R.
Identifiers: ClinVar variation 1432264 (VCV001432264.7), dbSNP rs749672875, ClinGen allele CA9949352.

ClinVar aggregate classification (germline): Uncertain significance. Review status: criteria provided, multiple submitters, no conflicts (2 of 4 stars). 2 submissions from 2 submitters: Uncertain significance (2). Last evaluated 2025-08-11.

Allele frequency attached by ClinVar (database versions not stated): gnomAD 0.00001; ExAC 0.00004; TOPMed below 0.00001; gnomAD exomes 0.00001 and below 0.00001.

Submissions (2):

GeneDx
Classification: Uncertain significance. Last evaluated: 2025-08-11. Review status: criteria provided, single submitter. Criteria: GeneDx Variant Classification Process June 2021. Collection method: clinical testing. Allele origin: germline. Affected: yes.
Comment: Not observed at significant frequency in large population cohorts (gnomAD); In silico analysis supports that this missense variant has a deleterious effect on protein structure/function; Has not been previously published as pathogenic or benign to our knowledge

Labcorp Genetics (formerly Invitae), Labcorp
Classification: Uncertain significance. Last evaluated: 2022-10-05. Review status: criteria provided, single submitter. Criteria: Invitae Variant Classification Sherloc (09022015). Collection method: clinical testing. Allele origin: germline.
Comment: This sequence change replaces glycine, which is neutral and non-polar, with arginine, which is basic and polar, at codon 184 of the COL9A3 protein (p.Gly184Arg). The frequency data for this variant in the population databases is considered unreliable, as metrics indicate poor data quality at this position in the gnomAD database. This variant has not been reported in the literature in individuals affected with COL9A3-related conditions. ClinVar contains an entry for this variant (Variation ID: 1432264). Advanced modeling of protein sequence and biophysical properties (such as structural, functional, and spatial information, amino acid conservation, physicochemical variation, residue mobility, and thermodynamic stability) performed at Invitae indicates that this missense variant is expected to disrupt COL9A3 protein function. In summary, the available evidence is currently insufficient to determine the role of this variant in disease. Therefore, it has been classified as a Variant of Uncertain Significance.